The following is an entry in ClinVar:

ClinVar aggregate classification (germline): Uncertain significance. Review status: criteria provided, multiple submitters, no conflicts (2 of 4 stars). 3 submissions from 3 submitters: Uncertain significance (3). Last evaluated 2025-10-14.

Conditions:
SCLT1-related disorder. Also called: SCLT1-related condition.

Allele frequency attached by ClinVar (database versions not stated): gnomAD exomes 0.00001 and 0.00002; gnomAD 0.00002; TOPMed 0.00003.
gnomAD v4.1: 18 of 1,592,626 alleles (0.0011%); highest among the groups gnomAD compares: Admixed American, 0.01%; no homozygotes.

Submissions (3):

Ambry Genetics
Classification: Uncertain significance. Last evaluated: 2025-10-14. Review status: criteria provided, single submitter. Criteria: Ambry Variant Classification Scheme 2023. Collection method: clinical testing. Allele origin: germline.

PreventionGenetics, part of Exact Sciences
Classification: Uncertain significance for SCLT1-related condition. Last evaluated: 2025-02-12. Review status: criteria provided, single submitter. Criteria: ACMG Guidelines, 2015. Collection method: clinical testing. Allele origin: germline.
Comment: The SCLT1 c.1064A>G variant is predicted to result in the amino acid substitution p.Lys355Arg. To our knowledge, this variant has not been reported in the literature. This variant is reported in 0.0060% of alleles in individuals of Latino descent in gnomAD. At this time, the clinical significance of this variant is uncertain due to the absence of conclusive functional and genetic evidence.

Labcorp Genetics (formerly Invitae), Labcorp
Classification: Uncertain significance. Last evaluated: 2022-09-08. Review status: criteria provided, single submitter. Criteria: Invitae Variant Classification Sherloc (09022015). Collection method: clinical testing. Allele origin: germline.
Comment: In summary, the available evidence is currently insufficient to determine the role of this variant in disease. Therefore, it has been classified as a Variant of Uncertain Significance. Algorithms developed to predict the effect of missense changes on protein structure and function are either unavailable or do not agree on the potential impact of this missense change (SIFT: "Deleterious"; PolyPhen-2: "Benign"; Align-GVGD: "Class C25"). ClinVar contains an entry for this variant (Variation ID: 1035712). This variant has not been reported in the literature in individuals affected with SCLT1-related conditions. This variant is present in population databases (rs751350400, gnomAD 0.006%). This sequence change replaces lysine, which is basic and polar, with arginine, which is basic and polar, at codon 355 of the SCLT1 protein (p.Lys355Arg).

NM_144643.4(SCLT1):c.1064A>G (p.Lys355Arg)

Gene: SCLT1 (sodium channel and clathrin linker 1; minus strand). Cytogenetic location: 4q28.2.
Variant type: single nucleotide variant.
Coding change: c.1064A>G on transcript NM_144643.4 (MANE Select); coding-DNA position 1064, A replaced by G.
Protein change: p.Lys355Arg; replaces lysine 355 with arginine.
Molecular consequence: missense variant.
Genome position (GRCh38, 1-based): chr4:128,957,108, T>C on the plus strand (A>G on the coding strand, the complement: SCLT1 is on the minus strand). VCF-style: chr4-128957108-T-C. GRCh37 (hg19) VCF-style: chr4-129878263-T-C.
Other names: c.1064A>G (NM_144643.2, NM_144643.3); short protein forms K355R.
Identifiers: ClinVar variation 1035712 (VCV001035712.6), dbSNP rs751350400, ClinGen allele CA105729657.
Genomic context (GRCh38, chr4:128,957,108, plus strand): 5'-GCATCTTGTACAAACCGAGAAACTGTCTCTTTCATTTTCTCTATGTCTTCTTCTTTTTGC[T>C]TCTCCTCAAGTAGAGCCTTCAGAAAATAATCATTTCATGTTATAGATAACATTATTATTA-3'
Protein context (NP_653244.2, residues 345-365): LQKSQALLEE[Lys355Arg]QKEEDIEKMK